The following is an entry in ClinVar:

NM_005529.7(HSPG2):c.6842G>A (p.Arg2281His)

Genes: HSPG2 (heparan sulfate proteoglycan 2; minus strand), LOC126805655 (CDK7 strongly-dependent group 2 enhancer GRCh37_chr1:22178409-22179608; plus strand). Cytogenetic location: 1p36.12.
Variant type: single nucleotide variant.
Coding change: c.6842G>A on transcript NM_005529.7 (MANE Select); coding-DNA position 6842, G replaced by A.
Protein change: p.Arg2281His; replaces arginine 2281 with histidine.
Molecular consequence: missense variant.
Genome position (GRCh38, 1-based): chr1:21,852,116, C>T on the plus strand (G>A on the coding strand, the complement: HSPG2 is on the minus strand). VCF-style: chr1-21852116-C-T. GRCh37 (hg19) VCF-style: chr1-22178609-C-T.
Other names: c.6845G>A, p.Arg2282His (NM_001291860.2); short protein forms R2281H, R2282H.
Identifiers: ClinVar variation 875251 (VCV000875251.7), dbSNP rs545161793, ClinGen allele CA671418.

ClinVar aggregate classification (germline): Uncertain significance. Review status: criteria provided, multiple submitters, no conflicts (2 of 4 stars). 4 submissions from 3 submitters: Uncertain significance (4). Last evaluated 2022-05-22.

Conditions:
Schwartz-Jampel syndrome type 1 (SJS1). Also called: MYOTONIC MYOPATHY, DWARFISM, CHONDRODYSTROPHY, AND OCULAR AND FACIAL ABNORMALITIES; CHONDRODYSTROPHIC MYOTONIA. Identifiers: MedGen C4551479, MONDO:0100435, OMIM 255800.
Schwartz-Jampel syndrome. Also called: Myotonic myopathy dwarfism chondrodystrophy and ocular and facial abnormalities. Identifiers: Orphanet 800, MedGen C0036391, MONDO:0009717.
Lethal Kniest-like syndrome (DDSH). Also called: Dyssegmental Dysplasia. Identifiers: Orphanet 1865, MedGen C1857100, MONDO:0009140, OMIM 224410.

Allele frequency attached by ClinVar (database versions not stated): TOPMed 0.00002; gnomAD 0.00004 and 0.00006; gnomAD exomes 0.00008 and 0.00010; ExAC 0.00010; 1000 Genomes Project 30x 0.00016; 1000 Genomes Project 0.00020.
gnomAD v4.1: 153 of 1,613,790 alleles (0.0095%); highest among the groups gnomAD compares: East Asian, 0.32%; 1 homozygote.

Submissions (4):

3billion
Classification: Uncertain significance for Schwartz-Jampel syndrome type 1. Last evaluated: 2022-05-22. Review status: criteria provided, single submitter. Criteria: ACMG Guidelines, 2015. Collection method: clinical testing. Allele origin: germline. Affected: yes. Observed: 1 heterozygote.
Comment: The variant is observed at an extremely low frequency in the gnomAD v2.1.1 dataset (total allele frequency: 0.008%). In silico tools do not predict the variant to alter splicing and produce an abnormal transcript (SpliceAI: 0.13). Therefore, this variant is classified as uncertain significanceaccording to the recommendation of ACMG/AMP guideline.

Revvity Omics, Revvity
Classification: Uncertain significance. Last evaluated: 2019-02-11. Review status: criteria provided, single submitter. Criteria: ACMG Guidelines, 2015. Collection method: clinical testing. Allele origin: germline.

Illumina Laboratory Services, Illumina
Classification: Uncertain significance for Lethal Kniest-like syndrome. Last evaluated: 2018-01-12. Review status: criteria provided, single submitter. Criteria: ICSL Variant Classification Criteria 13 December 2019. Collection method: clinical testing. Allele origin: germline.

Illumina Laboratory Services, Illumina
Classification: Uncertain significance for Schwartz-Jampel syndrome type 1. Last evaluated: 2018-01-12. Review status: criteria provided, single submitter. Criteria: ICSL Variant Classification Criteria 13 December 2019. Collection method: clinical testing. Allele origin: germline.